The following is an entry in ClinVar:

ClinVar aggregate classification (germline): Pathogenic. Review status: criteria provided, multiple submitters, no conflicts (2 of 4 stars). 6 submissions from 6 submitters: Pathogenic (6). Last evaluated 2025-05-02.

Conditions:
Familial cancer of breast. Also called: hereditary breast carcinoma; BREAST CANCER, FAMILIAL; Hereditary breast cancer. Identifiers: Orphanet 227535, MedGen C0346153, MONDO:0016419, OMIM 114480. Disease mechanism: loss of function.
Hereditary cancer-predisposing syndrome. Also called: Tumor predisposition; Hereditary Cancer Syndrome; Hereditary neoplastic syndrome; Neoplastic Syndromes, Hereditary. Identifiers: Orphanet 140162, MedGen C0027672, MeSH D009386, MONDO:0015356.
Ataxia-telangiectasia syndrome (AT). Also called: Ataxia telangiectasia (A-T); LOUIS-BAR SYNDROME; Cerebello-oculocutaneous telangiectasia; Immunodeficiency with ataxia telangiectasia; ATAXIA-TELANGIECTASIA, COMPLEMENTATION GROUP A; ATAXIA-TELANGIECTASIA, FRESNO VARIANT. Identifiers: Orphanet 100, MedGen C0004135, MONDO:0008840, OMIM 208900.

Allele frequency attached by ClinVar (database versions not stated): gnomAD exomes below 0.00001.

Submissions (6):

Ambry Genetics
Classification: Pathogenic for Hereditary cancer-predisposing syndrome. Last evaluated: 2025-05-02. Review status: criteria provided, single submitter. Criteria: Ambry Variant Classification Scheme 2023. Collection method: clinical testing. Allele origin: germline.
Comment: The p.Q414* pathogenic mutation (also known as c.1240C>T), located in coding exon 9 of the ATM gene, results from a C to T substitution at nucleotide position 1240. This changes the amino acid from a glutamine to a stop codon within coding exon 9. This mutation was identified in an individual with classic ataxia-telangiectasia (AT) who also carried another mutation in the ATM gene; however, phase was not reported (Gilad S et al. Hum. Mol. Genet. 1996;5(4):433-9). This variant is considered to be rare based on population cohorts in the Genome Aggregation Database (gnomAD). In addition to the clinical data presented in the literature, this alteration is expected to result in loss of function by premature protein truncation or nonsense-mediated mRNA decay. As such, this alteration is interpreted as a disease-causing mutation.

Labcorp Genetics (formerly Invitae), Labcorp
Classification: Pathogenic for Ataxia-telangiectasia syndrome. Last evaluated: 2024-12-18. Review status: criteria provided, single submitter. Criteria: Invitae Variant Classification Sherloc (09022015). Collection method: clinical testing. Allele origin: germline.
Comment: This sequence change creates a premature translational stop signal (p.Gln414*) in the ATM gene. It is expected to result in an absent or disrupted protein product. Loss-of-function variants in ATM are known to be pathogenic (PMID: 23807571, 25614872). This variant is not present in population databases (gnomAD no frequency). This premature translational stop signal has been observed in individual(s) with classical ataxia-telangiectasia (PMID: 8845835). ClinVar contains an entry for this variant (Variation ID: 236671). For these reasons, this variant has been classified as Pathogenic.

Myriad Genetics, Inc.
Classification: Pathogenic for Familial cancer of breast. Last evaluated: 2024-01-12. Review status: criteria provided, single submitter. Criteria: Myriad Autosomal Dominant, Autosomal Recessive and X-Linked Classification Criteria (2023). Collection method: clinical testing. Allele origin: unknown.
Comment: This variant is considered pathogenic. This variant creates a termination codon and is predicted to result in premature protein truncation.

Baylor Genetics
Classification: Pathogenic for Familial cancer of breast. Last evaluated: 2023-10-04. Review status: criteria provided, single submitter. Criteria: ACMG Guidelines, 2015. Collection method: clinical testing. Allele origin: unknown.

Mendelics
Classification: Pathogenic for Ataxia-telangiectasia syndrome. Last evaluated: 2023-03-11. Review status: criteria provided, single submitter. Criteria: Mendelics Assertion Criteria 2017. Collection method: clinical testing. Allele origin: unknown.

Color Diagnostics, LLC DBA Color Health
Classification: Pathogenic for Hereditary cancer-predisposing syndrome. Last evaluated: 2020-05-19. Review status: criteria provided, single submitter. Criteria: ACMG Guidelines, 2015. Collection method: clinical testing. Allele origin: germline.
Comment: This variant changes 1 nucleotide in exon 10 of the ATM gene, creating a premature translation stop signal. This variant is expected to result in an absent or non-functional protein product. This variant has been reported in an individual affected with ataxia telangiectasia in the compound heterozygous state (PMID: 8845835). This variant has not been identified in the general population by the Genome Aggregation Database (gnomAD). Loss of ATM function is a known mechanism of disease. Based on the available evidence, this variant is classified as Pathogenic.

Literature cited by the submitters: PubMed 23807571 (cited by Labcorp Genetics (formerly Invitae), Labcorp); PubMed 25614872 (cited by Labcorp Genetics (formerly Invitae), Labcorp); PubMed 8845835 (cited by Labcorp Genetics (formerly Invitae), Labcorp).

NM_000051.4(ATM):c.1240C>T (p.Gln414Ter)

Gene: ATM (ATM serine/threonine kinase; plus strand). Cytogenetic location: 11q22.3.
Variant type: single nucleotide variant.
Coding change: c.1240C>T on transcript NM_000051.4 (MANE Select); coding-DNA position 1240, C replaced by T.
Protein change: p.Gln414Ter; replaces glutamine 414 with a stop codon.
Molecular consequence: nonsense.
Genome position (GRCh38, 1-based): chr11:108,250,705, C>T. VCF-style: chr11-108250705-C-T. GRCh37 (hg19) VCF-style: chr11-108121432-C-T.
Other names: c.1240C>T, p.Gln414Ter (NM_001351834.2); short protein forms Q414*.
Identifiers: ClinVar variation 236671 (VCV000236671.19), dbSNP rs866521873, ClinGen allele CA10582793.
Genomic context (GRCh38, chr11:108,250,705, plus strand): 5'-TTAGTTTGTTAATGTGATGGAATAGTTTTCAAATTATCCTTTTTTTTTTTTTTTAGGCTA[C>T]AGATTGCAACCCAATTAATATCAAAGTATCCTGCAAGTTTACCTAACTGTGAGCTGTCTC-3'